The following is an entry in ClinVar:

ClinVar aggregate classification (germline): Conflicting classifications of pathogenicity. Review status: criteria provided, conflicting classifications (1 of 4 stars). 2 submissions from 2 submitters: Likely pathogenic (1); Uncertain significance (1). Last evaluated 2026-03-04.

Conditions:
Familial hemophagocytic lymphohistiocytosis 5. Also called: STXBP2-Related Familial Hemophagocytic Lymphohistiocytosis (STXBP2-fHLH). Identifiers: Orphanet 540, MedGen C2751293, MONDO:0013135, OMIM 613101.

Allele frequency attached by ClinVar (database versions not stated): TOPMed 0.00002.
gnomAD v4.1: 3 of 1,613,348 alleles (0.00019%); highest among the groups gnomAD compares: Non-Finnish European, 0.00025%; no homozygotes.

Submissions (2):

Women's Health and Genetics/Laboratory Corporation of America, LabCorp
Classification: Uncertain significance. Last evaluated: 2026-03-04. Review status: criteria provided, single submitter. Criteria: LabCorp Variant Classification Summary - May 2015. Collection method: clinical testing. Allele origin: germline.
Comment: Variant summary: STXBP2 c.1621G>T (p.Gly541Cys) results in a non-conservative amino acid change in the encoded protein sequence. Algorithms developed to predict the effect of missense changes on protein structure and function all suggest that this variant is likely to be disruptive. The variant allele was found at a frequency of 4e-06 in 248156 control chromosomes. The available data on variant occurrences in the general population are insufficient to allow any conclusion about variant significance. To our knowledge, no occurrence of c.1621G>T in individuals affected with STXBP2-related conditions and no experimental evidence demonstrating its impact on protein function have been reported. ClinVar contains an entry for this variant (Variation ID: 969042). Based on the evidence outlined above, the variant was classified as uncertain significance.

Labcorp Genetics (formerly Invitae), Labcorp
Classification: Likely pathogenic for Familial hemophagocytic lymphohistiocytosis 5. Last evaluated: 2026-02-03. Review status: criteria provided, single submitter. Criteria: Invitae Variant Classification Sherloc (09022015). Collection method: clinical testing. Allele origin: germline.
Comment: This sequence change replaces glycine, which is neutral and non-polar, with cysteine, which is neutral and slightly polar, at codon 541 of the STXBP2 protein (p.Gly541Cys). This variant is present in population databases (no rsID available, gnomAD 0.0009%). This variant has not been reported in the literature in individuals affected with STXBP2-related conditions. ClinVar contains an entry for this variant (Variation ID: 969042). Invitae Evidence Modeling of protein sequence and biophysical properties (such as structural, functional, and spatial information, amino acid conservation, physicochemical variation, residue mobility, and thermodynamic stability) indicates that this missense variant is expected to disrupt STXBP2 protein function with a positive predictive value of 95%. This variant disrupts the p.Gly541 amino acid residue in STXBP2. Other variant(s) that disrupt this residue have been determined to be pathogenic (PMID: 20558610, 20798128, 20823128, 23687090, 24194549). This suggests that this residue is clinically significant, and that variants that disrupt this residue are likely to be disease-causing. In summary, the currently available evidence indicates that the variant is pathogenic, but additional data are needed to prove that conclusively. Therefore, this variant has been classified as Likely Pathogenic.

Literature cited by the submitters: PubMed 20558610 (cited by Labcorp Genetics (formerly Invitae), Labcorp); PubMed 20798128 (cited by Labcorp Genetics (formerly Invitae), Labcorp); PubMed 20823128 (cited by Labcorp Genetics (formerly Invitae), Labcorp); PubMed 23687090 (cited by Labcorp Genetics (formerly Invitae), Labcorp); PubMed 24194549 (cited by Labcorp Genetics (formerly Invitae), Labcorp).

NM_006949.4(STXBP2):c.1621G>T (p.Gly541Cys)

Gene: STXBP2 (syntaxin binding protein 2; plus strand). Cytogenetic location: 19p13.2.
Variant type: single nucleotide variant.
Coding change: c.1621G>T on transcript NM_006949.4 (MANE Select); coding-DNA position 1621, G replaced by T.
Protein change: p.Gly541Cys; replaces glycine 541 with cysteine.
Molecular consequence: missense variant. On other transcripts: non-coding transcript variant (1).
Genome position (GRCh38, 1-based): chr19:7,647,436, G>T. VCF-style: chr19-7647436-G-T. GRCh37 (hg19) VCF-style: chr19-7712322-G-T.
Other names: c.1612G>T, p.Gly538Cys (NM_001127396.3); c.1654G>T, p.Gly552Cys (NM_001272034.2); short protein forms G538C, G541C, G552C.
Identifiers: ClinVar variation 969042 (VCV000969042.10), dbSNP rs61736587, ClinGen allele CA403162082.